The following is an entry in ClinVar:

NM_001089.3(ABCA3):c.1382_1383del (p.Val461fs)

Gene: ABCA3 (ATP binding cassette subfamily A member 3; minus strand). Cytogenetic location: 16p13.3.
Variant type: Microsatellite.
Coding change: c.1382_1383del on transcript NM_001089.3 (MANE Select); coding-DNA positions 1382 to 1383, 2 bases deleted (TG; older notation c.1382_1383delTG).
Protein change: p.Val461fs; shifts the reading frame from valine 461.
Molecular consequence: frameshift variant.
Genome position (GRCh38, 1-based): chr16:2,304,053-2,304,054, CA deleted on the plus strand (TG on the coding strand, the reverse complement: ABCA3 is on the minus strand); deleting any 2 consecutive bases within chr16:2,304,053-2,304,056 gives the same sequence; the c. name uses the placement nearest the transcript's 3' end. VCF-style (leftmost placement, unchanged base first): chr16-2304052-GCA-G. GRCh37 (hg19) VCF-style: chr16-2354053-GCA-G.
Other names: short protein forms V461fs.
Identifiers: ClinVar variation 5016194 (VCV005016194.1).

ClinVar aggregate classification (germline): Pathogenic (1 of 4 stars; one submission).

Conditions:
Interstitial lung disease due to ABCA3 deficiency. Also called: PULMONARY ALVEOLAR PROTEINOSIS, CONGENITAL, 3. Identifiers: Orphanet 440402, MedGen C1970456, MONDO:0012582, OMIM 610921.

Submission:

Myriad Genetics, Inc.
Classification: Pathogenic for Interstitial lung disease due to ABCA3 deficiency. Last evaluated: 2026-08-02. Review status: criteria provided, single submitter. Criteria: Myriad Autosomal Dominant, Autosomal Recessive and X-Linked Classification Criteria (2023). Collection method: clinical testing. Allele origin: unknown.
Comment: NM_001089.2(ABCA3):c.1382_1383delTG(V461Afs*48) is expected to be pathogenic in the context of surfactant deficiency, ABCA3-related. This variant is predicted to lead to an abnormal or absent protein product due to the creation of a premature termination codon in ABCA3, a gene where loss-of-function variants are known to be pathogenic. Please note: this variant was assessed in the context of healthy population screening.